The following is an entry in ClinVar:

NM_001015880.2(PAPSS2):c.683_684del (p.Phe228fs)

Gene: PAPSS2 (3'-phosphoadenosine 5'-phosphosulfate synthase 2; plus strand). Cytogenetic location: 10q23.31.
Variant type: Deletion.
Coding change: c.683_684del on transcript NM_001015880.2 (MANE Select); coding-DNA positions 683 to 684, 2 bases deleted (TT; older notation c.683_684delTT).
Protein change: p.Phe228fs; shifts the reading frame from phenylalanine 228.
Molecular consequence: frameshift variant.
Genome position (GRCh38, 1-based): chr10:87,715,028-87,715,029, TT deleted; deleting any 2 consecutive bases within chr10:87,715,027-87,715,029 gives the same sequence; the c. name uses the placement nearest the transcript's 3' end. VCF-style (leftmost placement, unchanged base first): chr10-87715026-CTT-C. GRCh37 (hg19) VCF-style: chr10-89474783-CTT-C.
Other names: c.683_684del (NM_001015880.1); c.683_684delTT (NM_004670.3); c.683_684del, p.Phe228fs (NM_004670.4); short protein forms F228fs.
Identifiers: ClinVar variation 572534 (VCV000572534.9), dbSNP rs1471554906, ClinGen allele CA669550694.

ClinVar aggregate classification (germline): Pathogenic/Likely pathogenic. Review status: criteria provided, multiple submitters, no conflicts (2 of 4 stars). 2 submissions from 2 submitters: Pathogenic (1); Likely pathogenic (1). Last evaluated 2025-08-19.

Conditions:
PAPSS2-related disorder. Also called: PAPSS2-related condition.
Spondyloepimetaphyseal dysplasia, PAPSS2 type. Also called: BRACHYOLMIA TYPE 4 WITH MILD EPIPHYSEAL AND METAPHYSEAL CHANGES; SPONDYLODYSPLASIA AND PREMATURE PUBARCHE; SEMD, PAKISTANI TYPE. Identifiers: Orphanet 93282, MedGen C2748516, MONDO:0019666, OMIM 612847.

Submissions (2):

PreventionGenetics, part of Exact Sciences
Classification: Likely pathogenic for PAPSS2-related condition. Last evaluated: 2025-08-19. Review status: criteria provided, single submitter. Criteria: ACMG Guidelines, 2015. Collection method: clinical testing. Allele origin: germline.
Comment: The PAPSS2 c.683_684delTT variant is predicted to result in a frameshift and premature protein termination (p.Phe228Cysfs*7). To our knowledge, this variant has not been reported in the literature or in a large population database (gnomAD), indicating this variant is rare. Frameshift variants in PAPSS2 are expected to be pathogenic. This variant is interpreted as likely pathogenic.

Labcorp Genetics (formerly Invitae), Labcorp
Classification: Pathogenic for Spondyloepimetaphyseal dysplasia, PAPSS2 type. Last evaluated: 2024-12-10. Review status: criteria provided, single submitter. Criteria: Invitae Variant Classification Sherloc (09022015). Collection method: clinical testing. Allele origin: germline.
Comment: This sequence change creates a premature translational stop signal (p.Phe228Cysfs*7) in the PAPSS2 gene. It is expected to result in an absent or disrupted protein product. Loss-of-function variants in PAPSS2 are known to be pathogenic (PMID: 22791835, 23633440). This variant is not present in population databases (gnomAD no frequency). This variant has not been reported in the literature in individuals affected with PAPSS2-related conditions. ClinVar contains an entry for this variant (Variation ID: 572534). For these reasons, this variant has been classified as Pathogenic.

Literature cited by the submitters: PubMed 22791835 (cited by Labcorp Genetics (formerly Invitae), Labcorp); PubMed 23633440 (cited by Labcorp Genetics (formerly Invitae), Labcorp).